The following is an entry in ClinVar:

ClinVar aggregate classification (germline): Uncertain significance (1 of 4 stars; one submission).

Conditions:
Branched-chain keto acid dehydrogenase kinase deficiency (BCKDKD). Also called: BCKDK DEFICIENCY. Identifiers: Orphanet 308410, MedGen C3554078, MONDO:0013970, OMIM 614923.

Submission:

Labcorp Genetics (formerly Invitae), Labcorp
Classification: Uncertain significance for Branched-chain keto acid dehydrogenase kinase deficiency. Last evaluated: 2024-10-17. Review status: criteria provided, single submitter. Criteria: Invitae Variant Classification Sherloc (09022015). Collection method: clinical testing. Allele origin: germline.
Comment: This sequence change replaces arginine, which is basic and polar, with tryptophan, which is neutral and slightly polar, at codon 92 of the BCKDK protein (p.Arg92Trp). This variant is present in population databases (no rsID available, gnomAD 0.03%). This variant has not been reported in the literature in individuals affected with BCKDK-related conditions. Invitae Evidence Modeling of protein sequence and biophysical properties (such as structural, functional, and spatial information, amino acid conservation, physicochemical variation, residue mobility, and thermodynamic stability) indicates that this missense variant is not expected to disrupt BCKDK protein function with a negative predictive value of 80%. In summary, the available evidence is currently insufficient to determine the role of this variant in disease. Therefore, it has been classified as a Variant of Uncertain Significance.

NM_005881.4(BCKDK):c.274C>T (p.Arg92Trp)

Gene: BCKDK (branched chain keto acid dehydrogenase kinase; plus strand). Cytogenetic location: 16p11.2.
Variant type: single nucleotide variant.
Coding change: c.274C>T on transcript NM_005881.4 (MANE Select); coding-DNA position 274, C replaced by T.
Protein change: p.Arg92Trp; replaces arginine 92 with tryptophan.
Molecular consequence: missense variant.
Genome position (GRCh38, 1-based): chr16:31,109,682, C>T. VCF-style: chr16-31109682-C-T. GRCh37 (hg19) VCF-style: chr16-31121003-C-T.
Other names: c.274C>T, p.Arg92Trp (NM_001122957.4, NM_001271926.3); short protein forms R92W.
Identifiers: ClinVar variation 3693752 (VCV003693752.2).